The following is an entry in ClinVar:

NM_032447.5(FBN3):c.4839C>T (p.Ser1613=)

Gene: FBN3 (fibrillin 3; minus strand). Cytogenetic location: 19p13.2.
Variant type: single nucleotide variant.
Coding change: c.4839C>T on transcript NM_032447.5 (MANE Select); coding-DNA position 4839, C replaced by T.
Protein change: p.Ser1613=; no amino-acid change (serine 1613 retained).
Molecular consequence: synonymous variant.
Genome position (GRCh38, 1-based): chr19:8,103,662, G>A on the plus strand (C>T on the coding strand, the complement: FBN3 is on the minus strand). VCF-style: chr19-8103662-G-A. GRCh37 (hg19) VCF-style: chr19-8168546-G-A.
Other names: c.4839C>T (NM_001321431.1); c.4839C>T, p.Ser1613= (NM_001321431.2).
Identifiers: ClinVar variation 1373965 (VCV001373965.10), dbSNP rs199833606, ClinGen allele CA9151887.

ClinVar aggregate classification (germline): Likely benign. Review status: criteria provided, single submitter (1 of 4 stars). 2 submissions from 2 submitters: Likely benign (1). 1 of the submissions does not count toward it. Last evaluated 2025-06-12.

Conditions:
FBN3-related disorder. Also called: FBN3-related condition.

Allele frequency attached by ClinVar (database versions not stated): gnomAD 0.00003 and 0.00004; TOPMed 0.00004; ExAC 0.00009; gnomAD exomes 0.00013; 1000 Genomes Project 30x 0.00031; 1000 Genomes Project 0.00040.
gnomAD v4.1: 216 of 1,613,426 alleles (0.013%); highest among the groups gnomAD compares: Admixed American, 0.032%; no homozygotes.

Submissions (2):

Labcorp Genetics (formerly Invitae), Labcorp
Classification: Likely benign. Last evaluated: 2025-06-12. Review status: criteria provided, single submitter. Criteria: Invitae Variant Classification Sherloc (09022015). Collection method: clinical testing. Allele origin: germline.

PreventionGenetics, part of Exact Sciences
Classification: Likely benign for FBN3-related condition. Last evaluated: 2019-09-17. Review status: no assertion criteria provided. Collection method: clinical testing. Allele origin: germline. Not counted in ClinVar's aggregate classification.
Comment: This variant is classified as likely benign based on ACMG/AMP sequence variant interpretation guidelines (Richards et al. 2015 PMID: 25741868, with internal and published modifications).